The following is an entry in ClinVar:

NM_001387430.1(SH2B1):c.1392G>A (p.Ser464=)

Gene: SH2B1 (SH2B adaptor protein 1; plus strand). Cytogenetic location: 16p11.2.
Variant type: single nucleotide variant.
Coding change: c.1392G>A on transcript NM_001387430.1 (MANE Select); coding-DNA position 1392, G replaced by A.
Protein change: p.Ser464=; no amino-acid change (serine 464 retained).
Molecular consequence: synonymous variant.
Genome position (GRCh38, 1-based): chr16:28,871,862, G>A. VCF-style: chr16-28871862-G-A. GRCh37 (hg19) VCF-style: chr16-28883183-G-A.
Other names: c.1392G>A, p.Ser464= (NM_001145795.2, NM_001145796.2, NM_001145797.2 and 4 more transcripts); c.384G>A, p.Ser128= (NM_001308294.2).
Identifiers: ClinVar variation 3035873 (VCV003035873.2), dbSNP rs747315618, ClinGen allele CA7986191.

ClinVar aggregate classification (germline): Likely benign (0 of 4 stars; one submission).

Conditions:
SH2B1-related disorder. Also called: SH2B1-related condition.

Allele frequency attached by ClinVar (database versions not stated): gnomAD exomes below 0.00001; TOPMed below 0.00001; ExAC 0.00001; gnomAD 0.00001.

Submission:

PreventionGenetics, part of Exact Sciences
Classification: Likely benign for SH2B1-related condition. Last evaluated: 2023-12-26. Review status: no assertion criteria provided. Collection method: clinical testing. Allele origin: germline.
Comment: This variant is classified as likely benign based on ACMG/AMP sequence variant interpretation guidelines (Richards et al. 2015 PMID: 25741868, with internal and published modifications).